The following is an entry in ClinVar:

ClinVar aggregate classification (germline): Benign. Review status: criteria provided, multiple submitters, no conflicts (2 of 4 stars). 11 submissions from 11 submitters: Benign (9). 2 of the submissions do not count toward it. Last evaluated 2026-02-04.

Conditions:
Microcephaly 1, primary, autosomal recessive (MCPH1). Also called: PREMATURE CHROMOSOME CONDENSATION SYNDROME; PCC SYNDROME; PREMATURE CHROMOSOME CONDENSATION WITH MICROCEPHALY AND MENTAL RETARDATION. Identifiers: Orphanet 2512, MedGen C1855081, MONDO:0009617, OMIM 251200.

Allele frequency attached by ClinVar (database versions not stated): 1000 Genomes Project 30x 0.13148; 1000 Genomes Project 0.13219; TOPMed 0.22464; gnomAD 0.23621 and 0.24125; ESP Exome Variant Server 0.24720; ExAC 0.26160; gnomAD exomes 0.26218.
gnomAD v4.1: 488,508 of 1,610,700 alleles (30%); highest among the groups gnomAD compares: Non-Finnish European, 35%; 81,336 homozygotes.

Submissions (11):

Labcorp Genetics (formerly Invitae), Labcorp
Classification: Benign. Last evaluated: 2026-02-04. Review status: criteria provided, single submitter. Criteria: Invitae Variant Classification Sherloc (09022015). Collection method: clinical testing. Allele origin: germline.

Women's Health and Genetics/Laboratory Corporation of America, LabCorp
Classification: Benign. Last evaluated: 2025-11-25. Review status: criteria provided, single submitter. Criteria: LabCorp Variant Classification Summary - May 2015. Collection method: clinical testing. Allele origin: germline.

Blueprint Genetics
Classification: Benign. Last evaluated: 2024-11-27. Review status: criteria provided, single submitter. Criteria: ACMG Guidelines, 2015. Collection method: clinical testing. Allele origin: germline.

Illumina Laboratory Services, Illumina
Classification: Benign for Microcephaly 1, primary, autosomal recessive. Last evaluated: 2018-01-13. Review status: criteria provided, single submitter. Criteria: ICSL Variant Classification Criteria 13 December 2019. Collection method: clinical testing. Allele origin: germline.
Comment: This variant was observed in the ICSL laboratory as part of a predisposition screen in an ostensibly healthy population. It had not been previously curated by ICSL or reported in the Human Gene Mutation Database (HGMD: prior to June 1st, 2018), and was therefore a candidate for classification through an automated scoring system. Utilizing variant allele frequency, disease prevalence and penetrance estimates, and inheritance mode, an automated score was calculated to assess if this variant is too frequent to cause the disease. Based on the score and internal cut-off values, a variant classified as benign is not then subjected to further curation. The score for this variant resulted in a classification of benign for this disease.

Athena Diagnostics
Classification: Benign. Last evaluated: 2017-08-02. Review status: criteria provided, single submitter. Criteria: Athena Diagnostics Criteria. Collection method: clinical testing. Allele origin: germline.

GeneDx
Classification: Benign. Last evaluated: 2015-03-03. Review status: criteria provided, single submitter. Criteria: GeneDx Variant Classification Process June 2021. Collection method: clinical testing. Allele origin: germline. Affected: yes.

Genetic Services Laboratory, University of Chicago
Classification: Benign. Last evaluated: 2013-02-08. Review status: criteria provided, single submitter. Criteria: ACMG Guidelines, 2007. Collection method: clinical testing. Allele origin: germline. Inheritance: Autosomal recessive inheritance.

Breakthrough Genomics
Classification: Benign. Review status: criteria provided, single submitter. Criteria: ACMG Guidelines, 2015. Collection method: not provided. Allele origin: germline. Inheritance: Autosomal recessive inheritance. Affected: yes.

PreventionGenetics, part of Exact Sciences
Classification: Benign. Review status: criteria provided, single submitter. Criteria: ACMG Guidelines, 2015. Collection method: clinical testing. Allele origin: germline.

Clinical Genetics DNA and cytogenetics Diagnostics Lab, Erasmus MC, Erasmus Medical Center
Classification: Benign. Review status: no assertion criteria provided. Collection method: clinical testing. Allele origin: germline. Affected: yes. Study: VKGL Data-share Consensus. Not counted in ClinVar's aggregate classification.

Joint Genome Diagnostic Labs from Nijmegen and Maastricht, Radboudumc and MUMC+
Classification: Benign. Review status: no assertion criteria provided. Collection method: clinical testing. Allele origin: germline. Affected: yes. Study: VKGL Data-share Consensus. Not counted in ClinVar's aggregate classification.

NM_024596.5(MCPH1):c.1782G>A (p.Thr594=)

Gene: MCPH1 (microcephalin 1; plus strand). Cytogenetic location: 8p23.1.
Variant type: single nucleotide variant.
Coding change: c.1782G>A on transcript NM_024596.5 (MANE Select); coding-DNA position 1782, G replaced by A.
Protein change: p.Thr594=; no amino-acid change (threonine 594 retained).
Molecular consequence: synonymous variant. On other transcripts: non-coding transcript variant (1).
Genome position (GRCh38, 1-based): chr8:6,445,504, G>A. VCF-style: chr8-6445504-G-A. GRCh37 (hg19) VCF-style: chr8-6303025-G-A.
Other names: c.1782G>A, p.Thr594= (NM_001172574.2, NM_001322042.2, NM_001363979.1 and 1 more transcripts); c.1638G>A, p.Thr546= (NM_001172575.2); c.1776G>A, p.Thr592= (NM_001322043.2); c.1680G>A, p.Thr560= (NM_001322045.2).
Identifiers: ClinVar variation 158827 (VCV000158827.26), dbSNP rs2584, ClinGen allele CA172495.